The following is an entry in ClinVar:

ClinVar aggregate classification (germline): Uncertain significance (1 of 4 stars; one submission).

Conditions:
Hypertrophic cardiomyopathy. Also called: HYPERTROPHIC MYOCARDIOPATHY. Identifiers: Orphanet 217569, MedGen C0007194, MeSH D002312, MONDO:0005045, HP:0001639.

Allele frequency attached by ClinVar (database versions not stated): gnomAD exomes below 0.00001.
gnomAD v4.1: 2 of 1,599,200 alleles (0.00013%); highest among the groups gnomAD compares: Non-Finnish European, 0.00017%; no homozygotes.

Submission:

All of Us Research Program, National Institutes of Health
Classification: Uncertain significance for Hypertrophic cardiomyopathy. Last evaluated: 2023-02-24. Review status: criteria provided, single submitter. Criteria: ACMG Guidelines, 2015. Collection method: clinical testing. Allele origin: germline. Inheritance: Autosomal dominant inheritance. Observed: 1 variant allele, 1 heterozygote.
Comment: This missense variant replaces histidine with arginine at codon 64 of the MYBPC3 protein. Computational prediction suggests that this variant may not impact protein structure and function (internally defined REVEL score threshold <= 0.5, PMID: 27666373). To our knowledge, functional studies have not been reported for this variant. This variant has been reported in individuals affected with hypertrophic cardiomyopathy (PMID: 32481709, 33495597). This variant has been identified in 1/224018 chromosomes in the general population by the Genome Aggregation Database (gnomAD). The available evidence is insufficient to determine the role of this variant in disease conclusively. Therefore, this variant is classified as a Variant of Uncertain Significance.

This study involves interpretation of variants in research participants for the purpose of population health screening. Participant phenotype was not available at the time of variant classification. Additional details can be found in publication PMID: 35346344, PMCID: PMC8962531

Literature cited by the submitters: PubMed 32481709; PubMed 33495597.

NM_000256.3(MYBPC3):c.191A>G (p.His64Arg)

Gene: MYBPC3 (myosin binding protein C3; minus strand). Cytogenetic location: 11p11.2.
Variant type: single nucleotide variant.
Coding change: c.191A>G on transcript NM_000256.3 (MANE Select); coding-DNA position 191, A replaced by G.
Protein change: p.His64Arg; replaces histidine 64 with arginine.
Molecular consequence: missense variant.
Genome position (GRCh38, 1-based): chr11:47,351,340, T>C on the plus strand (A>G on the coding strand, the complement: MYBPC3 is on the minus strand). VCF-style: chr11-47351340-T-C. GRCh37 (hg19) VCF-style: chr11-47372891-T-C.
Other names: short protein forms H64R.
Identifiers: ClinVar variation 3069704 (VCV003069704.1), dbSNP rs1250637243, ClinGen allele CA380341746.